The following is an entry in ClinVar:

NM_000038.6(APC):c.3028A>T (p.Ser1010Cys)

Gene: APC (APC regulator of Wnt signaling pathway; plus strand). Cytogenetic location: 5q22.2.
Variant type: single nucleotide variant.
Coding change: c.3028A>T on transcript NM_000038.6 (MANE Select); coding-DNA position 3028, A replaced by T.
Protein change: p.Ser1010Cys; replaces serine 1010 with cysteine.
Molecular consequence: missense variant. On other transcripts: non-coding transcript variant (2).
Genome position (GRCh38, 1-based): chr5:112,838,622, A>T. VCF-style: chr5-112838622-A-T. GRCh37 (hg19) VCF-style: chr5-112174319-A-T.
Other names: c.1876A>T, p.Ser626Cys (NM_001407471.1, NM_001407472.1); c.3028A>T (NM_000038.5); c.3028A>T, p.Ser1010Cys (NM_001127510.3, NM_001354895.2, NM_001407450.1); c.2974A>T, p.Ser992Cys (NM_001127511.3); c.3082A>T, p.Ser1028Cys (NM_001354896.2, NM_001407447.1, NM_001407448.1 and 1 more transcripts); c.3058A>T, p.Ser1020Cys (NM_001354897.2); c.2953A>T, p.Ser985Cys (NM_001354898.2); c.2944A>T, p.Ser982Cys (NM_001354899.2); and 12 more; short protein forms S1010C, S1038C, S881C, S951C, S982C, S1000C, S1028C, S850C.
Identifiers: ClinVar variation 2734199 (VCV002734199.4), dbSNP rs1253051713, ClinGen allele CA16027956.

ClinVar aggregate classification (germline): Uncertain significance. Review status: criteria provided, multiple submitters, no conflicts (2 of 4 stars). 2 submissions from 2 submitters: Uncertain significance (2). Last evaluated 2025-05-07.

Conditions:
Hereditary cancer-predisposing syndrome. Also called: Tumor predisposition; Hereditary Cancer Syndrome; Neoplastic Syndromes, Hereditary; Hereditary neoplastic syndrome. Identifiers: Orphanet 140162, MedGen C0027672, MeSH D009386, MONDO:0015356.
Familial adenomatous polyposis 1 (FAP1). Also called: POLYPOSIS, ADENOMATOUS INTESTINAL; FAMILIAL ADENOMATOUS POLYPOSIS 1, ATTENUATED. Identifiers: MedGen C2713442, MONDO:0021056, OMIM 175100. Disease mechanism: loss of function.

Submissions (2):

Ambry Genetics
Classification: Uncertain significance for Hereditary cancer-predisposing syndrome. Last evaluated: 2025-05-07. Review status: criteria provided, single submitter. Criteria: Ambry Variant Classification Scheme 2023. Collection method: clinical testing. Allele origin: germline.
Comment: The p.S1010C variant (also known as c.3028A>T), located in coding exon 15 of the APC gene, results from an A to T substitution at nucleotide position 3028. The serine at codon 1010 is replaced by cysteine, an amino acid with dissimilar properties. This amino acid position is conserved. In addition, in silico predictors for this gene do not accurately predict pathogenicity. Based on the available evidence, the clinical significance of this variant remains unclear.

Labcorp Genetics (formerly Invitae), Labcorp
Classification: Uncertain significance for Familial adenomatous polyposis 1. Last evaluated: 2023-05-27. Review status: criteria provided, single submitter. Criteria: Invitae Variant Classification Sherloc (09022015). Collection method: clinical testing. Allele origin: germline.
Comment: In summary, the available evidence is currently insufficient to determine the role of this variant in disease. Therefore, it has been classified as a Variant of Uncertain Significance. Advanced modeling of protein sequence and biophysical properties (such as structural, functional, and spatial information, amino acid conservation, physicochemical variation, residue mobility, and thermodynamic stability) performed at Invitae indicates that this missense variant is not expected to disrupt APC protein function. This variant has not been reported in the literature in individuals affected with APC-related conditions. This variant is not present in population databases (gnomAD no frequency). This sequence change replaces serine, which is neutral and polar, with cysteine, which is neutral and slightly polar, at codon 1010 of the APC protein (p.Ser1010Cys).